The following is an entry in ClinVar:

NM_001142800.2(EYS):c.1720G>T (p.Glu574Ter)

Gene: EYS (EGF-like photoreceptor maintenance factor; minus strand). Cytogenetic location: 6q12.
Variant type: single nucleotide variant.
Coding change: c.1720G>T on transcript NM_001142800.2 (MANE Select); coding-DNA position 1720, G replaced by T.
Protein change: p.Glu574Ter; replaces glutamic acid 574 with a stop codon.
Molecular consequence: nonsense.
Genome position (GRCh38, 1-based): chr6:65,335,026, C>A on the plus strand (G>T on the coding strand, the complement: EYS is on the minus strand). VCF-style: chr6-65335026-C-A. GRCh37 (hg19) VCF-style: chr6-66044919-C-A.
Other names: c.1720G>T, p.Glu574Ter (NM_001142801.2, NM_001292009.2, NM_198283.2); short protein forms E574*.
Identifiers: ClinVar variation 2763125 (VCV002763125.3), dbSNP rs1769931559, ClinGen allele CA364661003.
Genomic context (GRCh38, chr6:65,335,026, plus strand): 5'-TGATACATAAATACCTGGGTCTATTAATTTCATCTTTACAAACAGCTTCATGTTGACACT[C>A]ATTTTCTTGATCATCAGTTGTATTTTCCAGATACATGTTGCCAGCCCATCTGAGAAAACA-3'

ClinVar aggregate classification (germline): Pathogenic (1 of 4 stars; one submission).

Submission:

Labcorp Genetics (formerly Invitae), Labcorp
Classification: Pathogenic. Last evaluated: 2023-09-24. Review status: criteria provided, single submitter. Criteria: Invitae Variant Classification Sherloc (09022015). Collection method: clinical testing. Allele origin: germline.
Comment: For these reasons, this variant has been classified as Pathogenic. This variant has not been reported in the literature in individuals affected with EYS-related conditions. This variant is not present in population databases (gnomAD no frequency). This sequence change creates a premature translational stop signal (p.Glu574*) in the EYS gene. It is expected to result in an absent or disrupted protein product. Loss-of-function variants in EYS are known to be pathogenic (PMID: 18836446, 20333770).

Literature cited by the submitters: PubMed 18836446; PubMed 20333770.